The following is an entry in ClinVar:

ClinVar aggregate classification (germline): Uncertain significance (1 of 4 stars; one submission).

Conditions:
COG5-congenital disorder of glycosylation. Also called: CDG IIi; COG5-CDG; CONGENITAL DISORDER OF GLYCOSYLATION, TYPE IIi. Identifiers: Orphanet 263487, MedGen C3150876, MONDO:0013325, OMIM 613612.

gnomAD v4.1: 1 of 1,613,426 alleles (0.000062%); highest among the groups gnomAD compares: Admixed American, 0.0017%; no homozygotes.

Submission:

Labcorp Genetics (formerly Invitae), Labcorp
Classification: Uncertain significance for COG5-congenital disorder of glycosylation. Last evaluated: 2024-10-29. Review status: criteria provided, single submitter. Criteria: Invitae Variant Classification Sherloc (09022015). Collection method: clinical testing. Allele origin: germline.
Comment: This sequence change replaces arginine, which is basic and polar, with proline, which is neutral and non-polar, at codon 177 of the COG5 protein (p.Arg177Pro). This variant is not present in population databases (gnomAD no frequency). This variant has not been reported in the literature in individuals affected with COG5-related conditions. ClinVar contains an entry for this variant (Variation ID: 2065842). Invitae Evidence Modeling of protein sequence and biophysical properties (such as structural, functional, and spatial information, amino acid conservation, physicochemical variation, residue mobility, and thermodynamic stability) indicates that this missense variant is expected to disrupt COG5 protein function with a positive predictive value of 80%. In summary, the available evidence is currently insufficient to determine the role of this variant in disease. Therefore, it has been classified as a Variant of Uncertain Significance.

NM_006348.5(COG5):c.437G>C (p.Arg146Pro)

Gene: COG5 (component of oligomeric golgi complex 5; minus strand). Cytogenetic location: 7q22.3.
Variant type: single nucleotide variant.
Coding change: c.437G>C on transcript NM_006348.5 (MANE Select); coding-DNA position 437, G replaced by C.
Protein change: p.Arg146Pro; replaces arginine 146 with proline.
Molecular consequence: missense variant. On other transcripts: intron variant (1).
Genome position (GRCh38, 1-based): chr7:107,527,338, C>G on the plus strand (G>C on the coding strand, the complement: COG5 is on the minus strand). VCF-style: chr7-107527338-C-G. GRCh37 (hg19) VCF-style: chr7-107167783-C-G.
Other names: c.437G>C, p.Arg146Pro (NM_001161520.2, NM_001379511.1, NM_001379512.1 and 4 more transcripts); c.234+30638G>C (NM_001379516.1); short protein forms R146P.
Identifiers: ClinVar variation 2065842 (VCV002065842.3), dbSNP rs1424122009, ClinGen allele CA368828193.